The following is an entry in ClinVar:

ClinVar aggregate classification (germline): Pathogenic. Review status: criteria provided, multiple submitters, no conflicts (2 of 4 stars). 2 submissions from 2 submitters: Pathogenic (2). Last evaluated 2025-07-15.

Conditions:
Hereditary cancer-predisposing syndrome. Also called: Tumor predisposition; Neoplastic Syndromes, Hereditary; Hereditary Cancer Syndrome; Hereditary neoplastic syndrome. Identifiers: Orphanet 140162, MedGen C0027672, MeSH D009386, MONDO:0015356.

Submissions (2):

Ambry Genetics
Classification: Pathogenic for Hereditary cancer-predisposing syndrome. Last evaluated: 2025-07-15. Review status: criteria provided, single submitter. Criteria: Ambry Variant Classification Scheme 2023. Collection method: clinical testing. Allele origin: germline.
Comment: The c.2198_2202dupAAGGA variant, located in coding exon 15 of the CTNNA1 gene, results from a duplication of AAGGA at nucleotide position 2198, causing a translational frameshift with a predicted alternate stop codon (p.P735Kfs*58). This alteration is expected to result in loss of function by premature protein truncation or nonsense-mediated mRNA decay. As such, this alteration is interpreted as a disease-causing mutation.

Labcorp Genetics (formerly Invitae), Labcorp
Classification: Pathogenic. Last evaluated: 2023-06-13. Review status: criteria provided, single submitter. Criteria: Invitae Variant Classification Sherloc (09022015). Collection method: clinical testing. Allele origin: germline.
Comment: This sequence change creates a premature translational stop signal (p.Pro735Lysfs*58) in the CTNNA1 gene. It is expected to result in an absent or disrupted protein product. Loss-of-function variants in CTNNA1 are known to be pathogenic (PMID: 32051609, 34425242). This variant is not present in population databases (gnomAD no frequency). This variant has not been reported in the literature in individuals affected with CTNNA1-related conditions. For these reasons, this variant has been classified as Pathogenic.

Literature cited by the submitters: PubMed 32051609 (cited by Labcorp Genetics (formerly Invitae), Labcorp); PubMed 34425242 (cited by Labcorp Genetics (formerly Invitae), Labcorp).

NM_001903.5(CTNNA1):c.2198_2202dup (p.Pro735fs)

Gene: CTNNA1 (catenin alpha 1; plus strand). Cytogenetic location: 5q31.2.
Variant type: Duplication.
Coding change: c.2198_2202dup on transcript NM_001903.5 (MANE Select); coding-DNA positions 2198 to 2202, 5 bases duplicated (AAGGA; older notation c.2198_2202dupAAGGA).
Protein change: p.Pro735fs; shifts the reading frame from proline 735.
Molecular consequence: frameshift variant.
Genome position (GRCh38, 1-based): chr5:138,930,835-138,930,839, AAGGA duplicated; duplicating any 5 consecutive bases within chr5:138,930,834-138,930,839 gives the same sequence; the c. name uses the placement nearest the transcript's 3' end. VCF-style (leftmost placement, unchanged base first): chr5-138930833-T-TAAAGG. GRCh37 (hg19) VCF-style: chr5-138266522-T-TAAAGG.
Other names: c.749_753dup, p.Pro252fs (NM_001324007.1, NM_001324008.1, NM_001324009.1 and 2 more transcripts); c.995_999dup, p.Pro334fs (NM_001324011.1); c.845_849dup, p.Pro284fs (NM_001324012.1, NM_001324013.1); c.2198_2202dupAAGGA (NM_001903.2); c.2198_2202dup, p.Pro735fs (NM_001290307.3, NM_001323982.2, NM_001323983.1 and 2 more transcripts); c.1889_1893dup, p.Pro632fs (NM_001290309.3); c.1829_1833dup, p.Pro612fs (NM_001290310.3); c.1088_1092dup, p.Pro365fs (NM_001290312.1, NM_001323987.1, NM_001323988.1 and 17 more transcripts); and 1 more; short protein forms P252fs, P284fs, P334fs, P632fs, P735fs, P365fs, P612fs, P704fs.
Identifiers: ClinVar variation 2839751 (VCV002839751.5), dbSNP rs2533858938, ClinGen allele CA2739275091.